The following is an entry in ClinVar:

ClinVar aggregate classification (germline): Benign (0 of 4 stars; one submission).

Conditions:
MARK3-related disorder. Also called: MARK3-related condition.

Allele frequency attached by ClinVar (database versions not stated): gnomAD exomes 0.00029; ExAC 0.00090; ESP Exome Variant Server 0.00227; gnomAD 0.00277; 1000 Genomes Project 0.00300; TOPMed 0.00312; 1000 Genomes Project 30x 0.00359.
gnomAD v4.1: 873 of 1,613,916 alleles (0.054%); highest among the groups gnomAD compares: African/African-American, 1%; 3 homozygotes.

Submission:

PreventionGenetics, part of Exact Sciences
Classification: Benign for MARK3-related condition. Last evaluated: 2019-06-18. Review status: no assertion criteria provided. Collection method: clinical testing. Allele origin: germline.
Comment: This variant is classified as benign based on ACMG/AMP sequence variant interpretation guidelines (Richards et al. 2015 PMID: 25741868, with internal and published modifications).

NM_001128918.3(MARK3):c.1293G>A (p.Ala431=)

Gene: MARK3 (microtubule affinity regulating kinase 3; plus strand). Cytogenetic location: 14q32.32.
Variant type: single nucleotide variant.
Coding change: c.1293G>A on transcript NM_001128918.3 (MANE Select); coding-DNA position 1293, G replaced by A.
Protein change: p.Ala431=; no amino-acid change (alanine 431 retained).
Molecular consequence: synonymous variant.
Genome position (GRCh38, 1-based): chr14:103,475,021, G>A. VCF-style: chr14-103475021-G-A. GRCh37 (hg19) VCF-style: chr14-103941358-G-A.
Other names: c.1293G>A, p.Ala431= (NM_001128919.3, NM_002376.7); c.1245G>A, p.Ala415= (NM_001128920.3); c.1056G>A, p.Ala352= (NM_001128921.3); c.1239G>A, p.Ala413= (NM_001411055.1); c.1101G>A, p.Ala367= (NM_001411056.1).
Identifiers: ClinVar variation 3033292 (VCV003033292.2), dbSNP rs142938235, ClinGen allele CA7364093.